The following is an entry in ClinVar:

ClinVar aggregate classification (germline): Uncertain significance (1 of 4 stars; one submission).

Submission:

Ambry Genetics
Classification: Uncertain significance. Last evaluated: 2025-05-31. Review status: criteria provided, single submitter. Criteria: Ambry Variant Classification Scheme 2023. Collection method: clinical testing. Allele origin: germline.
Comment: The p.P156T variant (also known as c.466C>A), located in coding exon 5 of the FAM175A gene, results from a C to A substitution at nucleotide position 466. The proline at codon 156 is replaced by threonine, an amino acid with highly similar properties. This amino acid position is conserved. In addition, the in silico prediction for this alteration is inconclusive. Based on the available evidence, the clinical significance of this variant remains unclear.

NM_139076.3(ABRAXAS1):c.466C>A (p.Pro156Thr)

Gene: ABRAXAS1 (abraxas 1, BRCA1 A complex subunit; minus strand). Cytogenetic location: 4q21.23.
Variant type: single nucleotide variant.
Coding change: c.466C>A on transcript NM_139076.3 (MANE Select); coding-DNA position 466, C replaced by A.
Protein change: p.Pro156Thr; replaces proline 156 with threonine.
Molecular consequence: missense variant.
Genome position (GRCh38, 1-based): chr4:83,470,213, G>T on the plus strand (C>A on the coding strand, the complement: ABRAXAS1 is on the minus strand). VCF-style: chr4-83470213-G-T. GRCh37 (hg19) VCF-style: chr4-84391366-G-T.
Other names: c.139C>A, p.Pro47Thr (NM_001345962.2); short protein forms P156T, P47T.
Identifiers: ClinVar variation 3994627 (VCV003994627.1).